The following is an entry in ClinVar:

ClinVar aggregate classification (germline): Uncertain significance (1 of 4 stars; one submission).

Submission:

Ambry Genetics
Classification: Uncertain significance. Last evaluated: 2026-03-12. Review status: criteria provided, single submitter. Criteria: Ambry Variant Classification Scheme 2023. Collection method: clinical testing. Allele origin: germline.
Comment: The c.2482C>T (p.Q828*) alteration, located in exon 15 (coding exon 15) of the PUM2 gene, consists of a C to T substitution at nucleotide position 2482. This changes the amino acid from a glutamine (Q) to a stop codon at amino acid position 828. This variant is expected to result in premature protein truncation or nonsense-mediated mRNA decay. However, loss of function of PUM2 has not been established as a mechanism of disease. This variant was not reported in population-based cohorts in the Genome Aggregation Database (gnomAD). Based on insufficient or conflicting evidence, the clinical significance of this alteration remains unclear.

NM_015317.5(PUM2):c.2482C>T (p.Gln828Ter)

Gene: PUM2 (pumilio RNA binding family member 2; minus strand). Cytogenetic location: 2p24.1.
Variant type: single nucleotide variant.
Coding change: c.2482C>T on transcript NM_015317.5 (MANE Select); coding-DNA position 2482, C replaced by T.
Protein change: p.Gln828Ter; replaces glutamine 828 with a stop codon.
Molecular consequence: nonsense.
Genome position (GRCh38, 1-based): chr2:20,258,245, G>A on the plus strand (C>T on the coding strand, the complement: PUM2 is on the minus strand). VCF-style: chr2-20258245-G-A. GRCh37 (hg19) VCF-style: chr2-20458006-G-A.
Other names: c.2245C>T, p.Gln749Ter (NM_001352928.3, NM_001282790.2, NM_001352920.3 and 4 more transcripts); c.2077C>T, p.Gln693Ter (NM_001352929.3, NM_001282791.2); c.1804C>T, p.Gln602Ter (NM_001352930.3); c.2314C>T, p.Gln772Ter (NM_001282752.3); c.2482C>T, p.Gln828Ter (NM_001352917.3, NM_001352918.2, NM_001352919.3); short protein forms Q602*, Q693*, Q772*, Q828*, Q749*.
Identifiers: ClinVar variation 4840896 (VCV004840896.1).